The following is an entry in ClinVar:

NM_000135.4(FANCA):c.4078A>G (p.Met1360Val)

Genes: FANCA (FA complementation group A; minus strand), ZNF276 (zinc finger protein 276; plus strand). Cytogenetic location: 16q24.3.
Variant type: single nucleotide variant.
Coding change: c.4078A>G on transcript NM_000135.4 (MANE Select); coding-DNA position 4078, A replaced by G.
Protein change: p.Met1360Val; replaces methionine 1360 with valine.
Molecular consequence: missense variant. On other transcripts: 3 prime UTR variant (2), non-coding transcript variant (4).
Genome position (GRCh38, 1-based): chr16:89,739,222, T>C on the plus strand (A>G on the coding strand, the complement: FANCA is on the minus strand). VCF-style: chr16-89739222-T-C. GRCh37 (hg19) VCF-style: chr16-89805630-T-C.
Other names: c.4078A>G, p.Met1360Val (NM_001286167.3); c.*976T>C (NM_001113525.2, NM_152287.4); short protein forms M1360V.
Identifiers: ClinVar variation 1944289 (VCV001944289.2), dbSNP rs1325596336, ClinGen allele CA397484501.

ClinVar aggregate classification (germline): Uncertain significance (1 of 4 stars; one submission).

Conditions:
Fanconi anemia (FA). Also called: Fanconi's anemia. Identifiers: Orphanet 84, MedGen C0015625, MeSH D005199, MONDO:0019391.

Allele frequency attached by ClinVar (database versions not stated): gnomAD exomes below 0.00001; TOPMed 0.00001; gnomAD 0.00002.
gnomAD v4.1: 7 of 1,614,004 alleles (0.00043%); highest among the groups gnomAD compares: Non-Finnish European, 0.00059%; no homozygotes.

Submission:

Labcorp Genetics (formerly Invitae), Labcorp
Classification: Uncertain significance for Fanconi anemia. Last evaluated: 2022-07-04. Review status: criteria provided, single submitter. Criteria: Invitae Variant Classification Sherloc (09022015). Collection method: clinical testing. Allele origin: germline.
Comment: This sequence change replaces methionine, which is neutral and non-polar, with valine, which is neutral and non-polar, at codon 1360 of the FANCA protein (p.Met1360Val). This variant is present in population databases (no rsID available, gnomAD 0.002%). This variant has not been reported in the literature in individuals affected with FANCA-related conditions. Algorithms developed to predict the effect of missense changes on protein structure and function (SIFT, PolyPhen-2, Align-GVGD) all suggest that this variant is likely to be tolerated. In summary, the available evidence is currently insufficient to determine the role of this variant in disease. Therefore, it has been classified as a Variant of Uncertain Significance.